The following is an entry in ClinVar:

NM_001114753.3(ENG):c.1509_1510insCCAC (p.Val504fs)

Genes: ENG (endoglin; minus strand), LOC102723566 (uncharacterized LOC102723566; plus strand). Cytogenetic location: 9q34.11.
Variant type: Insertion.
Coding change: c.1509_1510insCCAC on transcript NM_001114753.3 (MANE Select); coding-DNA positions 1509 to 1510, CCAC inserted.
Protein change: p.Val504fs; shifts the reading frame from valine 504.
Molecular consequence: frameshift variant.
Genome position: GRCh38 VCF-style: chr9-127818296-C-CGTGG. GRCh37 (hg19) VCF-style: chr9-130580575-C-CGTGG.
Other names: c.1508_1509insCCCA, p.Val504Profs (NM_000118.4); c.963_964insCCAC, p.Val322fs (NM_001278138.2); short protein forms V322fs, V504fs.
Identifiers: ClinVar variation 1774126 (VCV001774126.2), dbSNP rs2539059682, ClinGen allele CA2580079658.

ClinVar aggregate classification (germline): Pathogenic (1 of 4 stars; one submission).

Conditions:
Cardiovascular phenotype. Identifiers: MedGen CN230736.

Submission:

Ambry Genetics
Classification: Pathogenic for Cardiovascular phenotype. Last evaluated: 2021-07-27. Review status: criteria provided, single submitter. Criteria: Ambry Variant Classification Scheme 2023. Collection method: clinical testing. Allele origin: germline.
Comment: The c.1509_1510insCCAC pathogenic mutation, located in coding exon 12 of the ENG gene, results from an insertion of 4 nucleotides at position 1509, causing a translational frameshift with a predicted alternate stop codon (p.V504Pfs*25). This alteration is expected to result in loss of function by premature protein truncation or nonsense-mediated mRNA decay. As such, this alteration is interpreted as a disease-causing mutation.